The following is an entry in ClinVar:

ClinVar aggregate classification (germline): Pathogenic/Likely pathogenic. Review status: criteria provided, multiple submitters, no conflicts (2 of 4 stars). 5 submissions from 5 submitters: Pathogenic (1); Likely pathogenic (4). Last evaluated 2026-05-12.

Conditions:
Hermansky-Pudlak syndrome (HPS). Also called: ALBINISM WITH HEMORRHAGIC DIATHESIS AND PIGMENTED RETICULOENDOTHELIAL CELLS. Identifiers: Orphanet 79430, MedGen C0079504, MONDO:0019312.
HPS1-related disorder. Also called: HPS1-related condition.
Hermansky-Pudlak syndrome 1 (HPS1). Also called: DELTA STORAGE POOL DISEASE. Identifiers: Orphanet 231500, Orphanet 79430, MedGen C2931875, MONDO:0008748, OMIM 203300.

Allele frequency attached by ClinVar (database versions not stated): gnomAD 0.00001; gnomAD exomes 0.00001; TOPMed 0.00001.
gnomAD v4.1: 12 of 1,594,862 alleles (0.00075%); highest among the groups gnomAD compares: Non-Finnish European, 0.001%; no homozygotes.

Submissions (5):

Myriad Genetics, Inc.
Classification: Likely pathogenic for Hermansky-Pudlak syndrome 1. Last evaluated: 2026-05-12. Review status: criteria provided, single submitter. Criteria: Myriad Autosomal Dominant, Autosomal Recessive and X-Linked Classification Criteria (2023). Collection method: clinical testing. Allele origin: unknown.
Comment: NM_000195.3(HPS1):c.1940+2T>C is a variant in a canonical splice site classified as likely pathogenic in the context of Hermansky-Pudlak syndrome, HPS1-related. c.1940+2T>C has not been observed in cases with relevant disease. Relevant functional assessments of this variant are not available in the literature. c.1940+2T>C has not been observed in referenced population frequency databases. In summary, NM_000195.3(HPS1):c.1940+2T>C is a variant in a canonical splice site in a gene where loss of function is a known mechanism of disease and is predicted to disrupt protein function. Please note: this variant was assessed in the context of healthy population screening.

Natera, Inc.
Classification: Likely pathogenic for Hermansky-Pudlak syndrome. Last evaluated: 2025-06-24. Review status: criteria provided, single submitter. Criteria: Natera Variant Classification Schema (03/2026). Collection method: clinical testing. Allele origin: germline.
Comment: The c.1940+2T>C variant in HPS1 is a canonical splice donor site variant predicted to affect pre-mRNA splicing, which may result in an abnormal transcript and altered protein product. This variant is expected to result in nonsense mediated decay, truncation, or a dysfunctional protein product. This variant is rare in the general population with a frequency below the threshold expected for the associated phenotype(s). Given the available evidence, this variant is classified as Likely Pathogenic.

Labcorp Genetics (formerly Invitae), Labcorp
Classification: Pathogenic. Last evaluated: 2023-05-17. Review status: criteria provided, single submitter. Criteria: Invitae Variant Classification Sherloc (09022015). Collection method: clinical testing. Allele origin: germline.
Comment: For these reasons, this variant has been classified as Pathogenic. This variant disrupts a region of the HPS1 protein in which other variant(s) (p.Gln686*) have been determined to be pathogenic (PMID: 26575419). This suggests that this is a clinically significant region of the protein, and that variants that disrupt it are likely to be disease-causing. Variants that disrupt the consensus splice site are a relatively common cause of aberrant splicing (PMID: 17576681, 9536098). Algorithms developed to predict the effect of sequence changes on RNA splicing suggest that this variant may disrupt the consensus splice site. ClinVar contains an entry for this variant (Variation ID: 1355628). This variant has not been reported in the literature in individuals affected with HPS1-related conditions. This variant is not present in population databases (gnomAD no frequency). This sequence change affects a donor splice site in intron 19 of the HPS1 gene. While this variant is not anticipated to result in nonsense mediated decay, it likely alters RNA splicing and results in a disrupted protein product.

PreventionGenetics, part of Exact Sciences
Classification: Likely pathogenic for HPS1-related condition. Last evaluated: 2023-04-11. Review status: criteria provided, single submitter. Criteria: ACMG Guidelines, 2015. Collection method: clinical testing. Allele origin: germline.
Comment: The HPS1 c.1940+2T>C variant is predicted to disrupt the GT donor site and interfere with normal splicing. To our knowledge, this variant has not been reported in the literature or in a large population database, indicating this variant is rare. Variants that disrupt the consensus splice donor site in HPS1 are expected to be pathogenic. This variant is interpreted as likely pathogenic.

Baylor Genetics
Classification: Likely pathogenic for Hermansky-Pudlak syndrome 1. Last evaluated: 2023-02-11. Review status: criteria provided, single submitter. Criteria: ACMG Guidelines, 2015. Collection method: clinical testing. Allele origin: unknown.

Literature cited by the submitters: PubMed 26575419 (cited by Labcorp Genetics (formerly Invitae), Labcorp); PubMed 17576681 (cited by Labcorp Genetics (formerly Invitae), Labcorp); PubMed 9536098 (cited by Labcorp Genetics (formerly Invitae), Labcorp).

NM_000195.5(HPS1):c.1940+2T>C

Gene: HPS1 (HPS1 biogenesis of lysosomal organelles complex 3 subunit 1; minus strand). Cytogenetic location: 10q24.2.
Variant type: single nucleotide variant.
Coding change: c.1940+2T>C on transcript NM_000195.5 (MANE Select); the canonical splice donor site of the intron after coding-DNA position 1940, T replaced by C.
Molecular consequence: splice donor variant.
Genome position (GRCh38, 1-based): chr10:98,418,173, A>G on the plus strand (T>C on the coding strand, the complement: HPS1 is on the minus strand). VCF-style: chr10-98418173-A-G. GRCh37 (hg19) VCF-style: chr10-100177930-A-G.
Other names: c.1571+2T>C (NM_001322483.2, NM_001322484.2); c.1679+2T>C (NM_001322480.2, NM_001322481.2); c.1841+2T>C (NM_001322478.2, NM_001322479.2); c.1940+2T>C (NM_001322476.2, NM_001322477.2, NM_000195.4); c.1472+2T>C (NM_001322485.2); c.1580+2T>C (NM_001322482.2); c.968+2T>C (NM_001322489.2, NM_001311345.2, NM_001322487.2).
Identifiers: ClinVar variation 1355628 (VCV001355628.12), dbSNP rs972096803, ClinGen allele CA212758230.